The following is an entry in ClinVar:

NM_003105.6(SORL1):c.4429G>A (p.Glu1477Lys)

Genes: SORL1 (sortilin related receptor 1; plus strand), LOC126861368 (P300/CBP strongly-dependent group 1 enhancer GRCh37_chr11:121465964-121467163; plus strand). Cytogenetic location: 11q24.1.
Variant type: single nucleotide variant.
Coding change: c.4429G>A on transcript NM_003105.6 (MANE Select); coding-DNA position 4429, G replaced by A.
Protein change: p.Glu1477Lys; replaces glutamic acid 1477 with lysine.
Molecular consequence: missense variant.
Genome position (GRCh38, 1-based): chr11:121,595,682, G>A. VCF-style: chr11-121595682-G-A. GRCh37 (hg19) VCF-style: chr11-121466391-G-A.
Other names: short protein forms E1477K.
Identifiers: ClinVar variation 2968075 (VCV002968075.3), dbSNP rs750332675, ClinGen allele CA6329626.

ClinVar aggregate classification (germline): Uncertain significance (1 of 4 stars; one submission).

Allele frequency attached by ClinVar (database versions not stated): ExAC 0.00001; gnomAD exomes 0.00001; TOPMed 0.00001.
gnomAD v4.1: 17 of 1,613,702 alleles (0.0011%); highest among the groups gnomAD compares: South Asian, 0.0022%; no homozygotes.

Submission:

Labcorp Genetics (formerly Invitae), Labcorp
Classification: Uncertain significance. Last evaluated: 2024-01-06. Review status: criteria provided, single submitter. Criteria: Invitae Variant Classification Sherloc (09022015). Collection method: clinical testing. Allele origin: germline.
Comment: This sequence change replaces glutamic acid, which is acidic and polar, with lysine, which is basic and polar, at codon 1477 of the SORL1 protein (p.Glu1477Lys). This variant is present in population databases (rs750332675, gnomAD 0.007%). This variant has not been reported in the literature in individuals affected with SORL1-related conditions. An algorithm developed to predict the effect of missense changes on protein structure and function (PolyPhen-2) suggests that this variant is likely to be disruptive. In summary, the available evidence is currently insufficient to determine the role of this variant in disease. Therefore, it has been classified as a Variant of Uncertain Significance.